The following is an entry in ClinVar:

ClinVar aggregate classification (germline): Pathogenic (1 of 4 stars; one submission).

Conditions:
Mucopolysaccharidosis, MPS-II (MPS2). Also called: Hunter Syndrome; IDURONATE 2-SULFATASE DEFICIENCY; Mucopolysaccharidosis Type II; Mucopolysaccharidosis type 2; Attenuated MPS (subtype; formerly known as mild MPS II); Severe MPS II. Identifiers: Orphanet 580, Orphanet 79388, MedGen C0026705, MONDO:0010674, OMIM 309900.

Submission:

Laboratory of Diagnosis and Therapy of Lysosomal Disorders, University of Padova
Classification: Pathogenic for Mucopolysaccharidosis, MPS-II. Last evaluated: 2024-06-07. Review status: criteria provided, single submitter. Criteria: ACMG Guidelines, 2015. Collection method: literature only. Allele origin: germline. Affected: yes. Observed: 1 variant allele.
Comment: Absent from controls (or at low frequency) in gnomAD database (PM2_Moderate), Missense change at the same amino acid residue as a pathogenic variant (PM5_Moderate), Missense variant in a gene with a low rate of benign missense variation (PP2_Supporting), Multiple lines of computational evidence support a deleterious effect (PP3_Supporting), Patient’s phenotype or family history highly specific for the disease (PP4_Strong)

Classification method: ACMG Guidelines [PMID:25741868] with modifications

Literature cited by the submitters: PubMed 8940265.

NM_000202.8(IDS):c.257C>A (p.Pro86Gln)

Gene: IDS (iduronate 2-sulfatase; minus strand). Cytogenetic location: Xq28.
Variant type: single nucleotide variant.
Coding change: c.257C>A on transcript NM_000202.8 (MANE Select); coding-DNA position 257, C replaced by A.
Protein change: p.Pro86Gln; replaces proline 86 with glutamine.
Molecular consequence: missense variant. On other transcripts: non-coding transcript variant (1), intron variant (1).
Genome position (GRCh38, 1-based): chrX:149,503,473, G>T on the plus strand (C>A on the coding strand, the complement: IDS is on the minus strand). VCF-style: chrX-149503473-G-T. GRCh37 (hg19) VCF-style: chrX-148585003-G-T.
Other names: c.257C>A, p.Pro86Gln (NM_006123.5); c.15-28C>A (NM_001166550.4); short protein forms P86Q.
Identifiers: ClinVar variation 3255636 (VCV003255636.2).